The following continues an entry in ClinVar:

NM_000059.4(BRCA2):c.5710C>G (p.Leu1904Val)

Gene: BRCA2. ClinVar aggregate classification (germline): Benign. Benign (1).

Submissions 20 to 23 of 23:

Counsyl
Classification: Benign for Breast-ovarian cancer, familial, susceptibility to, 2. Last evaluated: 2016-01-13. Review status: no assertion criteria provided. Collection method: clinical testing. Allele origin: unknown. Not counted in ClinVar's aggregate classification.

Sharing Clinical Reports Project (SCRP)
Classification: Benign for Breast-ovarian cancer, familial 2. Last evaluated: 2012-12-05. Review status: no assertion criteria provided. Collection method: clinical testing. Allele origin: germline. Not counted in ClinVar's aggregate classification.

Breast Cancer Information Core (BIC) (BRCA2)
Classification: Uncertain significance for Breast-ovarian cancer, familial 2. Last evaluated: 2002-05-29. Review status: no assertion criteria provided. Collection method: clinical testing. Allele origin: germline. Affected: yes. Observed: 8 variant alleles. Not counted in ClinVar's aggregate classification.

Department of Pathology and Laboratory Medicine, Sinai Health System
Classification: Likely benign. Review status: no assertion criteria provided. Collection method: clinical testing. Allele origin: unknown. Affected: yes. Observed: 2 variant alleles. Study: The Canadian Open Genetics Repository (COGR). Not counted in ClinVar's aggregate classification.
Comment: The BRCA2 p.Leu1904Val variant was identified in 3 of 638 proband chromosomes (frequency: 0.005) from individuals or families with breast cancer and was not identified in 148 control chromosomes from healthy individuals (Fackenthal 2005, Zhou 2005, Diez 2011). The variant was also identified in dbSNP (ID: rs55875643) as "With Uncertain significance, other allele", ClinVar (classified as benign by ENIGMA, Counsyl, Invitae, Ambry Genetics, SCRP and one other clinical laboratory; as likely benign by GeneDx and four other clinical laboratories; and as uncertain significance by BIC), GeneInsight-COGR, MutDB, LOVD 3.0 (4x predicted neutral), UMD-LSDB (10x as likely neutral), BIC Database (8x with unknown significance), and ARUP Laboratories Database (not pathogenic or of no clinical significance). The variant was identified with the following co-occurring pathogenic variants: BRCA2 c.1813dup, p.Ile605Asnfs*11 (UMD database), BRCA1 c.1949_1950delTA, p.Ile650Lysfs*22 (Diez 2011), and BRCA2 c.7806-?_8632+?dup, p.Glu2878Glyfs*46 (our laboratory), increasing the likelihood that the p.Leu1904Val variant does not have clinical significance. The variant was not identified in Cosmic or the Zhejiang University database. The variant was identified in control databases in 14 of 276606 chromosomes at a frequency of 0.00005 (Genome Aggregation Database Feb 27, 2017). The variant was observed in the following populations: African in 10 of 23996 chromosomes (freq: 0.0004), Other in 1 of 6450 chromosomes (freq: 0.0002), Latino in 1 of 34388 chromosomes (freq: 0.00003), and European in 2 of 126282 chromosomes (freq: 0.00002), while the variant was not observed in the Ashkenazi Jewish, East Asian, Finnish, or South Asian populations. The p.Leu1904 residue is not conserved in mammals and computational analyses (PolyPhen-2, SIFT, AlignGVGD, BLOSUM, MutationTaster) do not suggest a high likelihood of impact to the protein; however, this information is not predictive enough to rule out pathogenicity. The variant occurs outside of the splicing consensus sequence and 3 of 4 in silico or computational prediction software programs (SpliceSiteFinder, MaxEntScan, NNSPLICE, GeneSplicer) do not predict a difference in splicing. The information in the literature is conflicting and limited to in silico models (Easton 2007, Lindor 2012, Guidugli 2014, Zhou 2005). In summary, based on the above information, the clinical significance of this variant cannot be determined with certainty at this time although we would lean towards a more benign role for this variant. This variant is classified as likely benign.

Literature cited by the submitters: PubMed 21990134 (cited by 3 submitters); PubMed 33471991 (cited by Quest Diagnostics Nichols Institute San Juan Capistrano); PubMed 25637381 (cited by Quest Diagnostics Nichols Institute San Juan Capistrano and Women's Health and Genetics/Laboratory Corporation of America, LabCorp); PubMed 24055113 (cited by Quest Diagnostics Nichols Institute San Juan Capistrano and Women's Health and Genetics/Laboratory Corporation of America, LabCorp); PubMed 15744044 (cited by 3 submitters); PubMed 17924331 (cited by Quest Diagnostics Nichols Institute San Juan Capistrano and Women's Health and Genetics/Laboratory Corporation of America, LabCorp); PubMed 24323938 (cited by Quest Diagnostics Nichols Institute San Juan Capistrano and Women's Health and Genetics/Laboratory Corporation of America, LabCorp); PubMed 22034289 (cited by Quest Diagnostics Nichols Institute San Juan Capistrano and Women's Health and Genetics/Laboratory Corporation of America, LabCorp); PubMed 18418466 (cited by Quest Diagnostics Nichols Institute San Juan Capistrano and Women's Health and Genetics/Laboratory Corporation of America, LabCorp); PubMed 22848303 (cited by 3 submitters).